The following is an entry in ClinVar:

NM_004656.4(BAP1):c.1990G>A (p.Asp664Asn)

Gene: BAP1 (BRCA1 associated deubiquitinase 1; minus strand). Cytogenetic location: 3p21.1.
Variant type: single nucleotide variant.
Coding change: c.1990G>A on transcript NM_004656.4 (MANE Select); coding-DNA position 1990, G replaced by A.
Protein change: p.Asp664Asn; replaces aspartic acid 664 with asparagine.
Molecular consequence: missense variant.
Genome position (GRCh38, 1-based): chr3:52,402,668, C>T on the plus strand (G>A on the coding strand, the complement: BAP1 is on the minus strand). VCF-style: chr3-52402668-C-T. GRCh37 (hg19) VCF-style: chr3-52436684-C-T.
Other names: short protein forms D664N.
Identifiers: ClinVar variation 851147 (VCV000851147.7), dbSNP rs1705000931, ClinGen allele CA353096377.

ClinVar aggregate classification (germline): Uncertain significance (1 of 4 stars; one submission).

Conditions:
BAP1-related tumor predisposition syndrome (TPDS1). Also called: BAP1 tumor predisposition syndrome; Tumor susceptibility linked to germline BAP1 mutations; COMMON Syndrome; TUMOR PREDISPOSITION SYNDROME 1. Identifiers: Orphanet 289539, MedGen C3280492, MONDO:0013692, OMIM 614327.

Submission:

Labcorp Genetics (formerly Invitae), Labcorp
Classification: Uncertain significance for BAP1-related tumor predisposition syndrome. Last evaluated: 2024-04-10. Review status: criteria provided, single submitter. Criteria: Invitae Variant Classification Sherloc (09022015). Collection method: clinical testing. Allele origin: germline.
Comment: This sequence change replaces aspartic acid, which is acidic and polar, with asparagine, which is neutral and polar, at codon 664 of the BAP1 protein (p.Asp664Asn). This variant is not present in population databases (gnomAD no frequency). This variant has not been reported in the literature in individuals affected with BAP1-related conditions. ClinVar contains an entry for this variant (Variation ID: 851147). Advanced modeling of protein sequence and biophysical properties (such as structural, functional, and spatial information, amino acid conservation, physicochemical variation, residue mobility, and thermodynamic stability) performed at Invitae indicates that this missense variant is expected to disrupt BAP1 protein function with a positive predictive value of 80%. In summary, the available evidence is currently insufficient to determine the role of this variant in disease. Therefore, it has been classified as a Variant of Uncertain Significance.